The following is an entry in ClinVar:

NM_001297595.2(SIN3B):c.2254T>G (p.Phe752Val)

Gene: SIN3B (SIN3 transcription regulator family member B; plus strand). Cytogenetic location: 19p13.11.
Variant type: single nucleotide variant.
Coding change: c.2254T>G on transcript NM_001297595.2 (MANE Select); coding-DNA position 2254, T replaced by G.
Protein change: p.Phe752Val; replaces phenylalanine 752 with valine.
Molecular consequence: missense variant.
Genome position (GRCh38, 1-based): chr19:16,869,907, T>G. VCF-style: chr19-16869907-T-G. GRCh37 (hg19) VCF-style: chr19-16980718-T-G.
Other names: c.1024T>G, p.Phe342Val (NM_001297597.2); c.2350T>G, p.Phe784Val (NM_015260.4); short protein forms F342V, F752V, F784V.
Identifiers: ClinVar variation 3908043 (VCV003908043.1).
Genomic context (GRCh38, chr19:16,869,907, plus strand): 5'-CCGCACAAGCCCCTGGACGATGTCTACAGCCTATTTTTTGCCAACAACAACTGGTACTTC[T>G]TCCTGCGCCTGCACCAGACCCTGTGCTCCAGGCTGCTGAAGATCTACCGCCAGGCGCAGA-3'
Protein context (NP_001284524.1, residues 742-762): LFFANNNWYF[Phe752Val]LRLHQTLCSR

ClinVar aggregate classification (germline): Uncertain significance (1 of 4 stars; one submission).

Submission:

GeneDx
Classification: Uncertain significance. Last evaluated: 2024-12-26. Review status: criteria provided, single submitter. Criteria: GeneDx Variant Classification Process June 2021. Collection method: clinical testing. Allele origin: germline. Affected: yes.
Comment: Not observed at significant frequency in large population cohorts (gnomAD); In silico analysis supports that this missense variant has a deleterious effect on protein structure/function; Has not been previously published as pathogenic or benign to our knowledge